The following is an entry in ClinVar:

ClinVar aggregate classification (germline): Uncertain significance (1 of 4 stars; one submission).

Conditions:
MEGF8-related Carpenter syndrome. Also called: Carpenter syndrome 2. Identifiers: Orphanet 65759, MedGen C3554247, MONDO:0013998, OMIM 614976.

Submission:

OLLIN Analises Genomicas, OLLIN
Classification: Uncertain significance for MEGF8-related Carpenter syndrome. Last evaluated: 2026-08-06. Review status: criteria provided, single submitter. Criteria: ACMG Guidelines 2015 PMID 25741868. Collection method: clinical testing. Allele origin: germline. Inheritance: Autosomal recessive inheritance.
Comment: This missense variant, located in exon 19 (of 42), is absent from gnomAD and ClinVar and has not been identified in the literature. In silico analysis predicts that this variant has a deleterious effect. According to the currently available evidence, this variant has been classified as uncertain significance (PM2_P, PP3_S).

NM_001271938.2(MEGF8):c.3305G>A (p.Cys1102Tyr)

Gene: MEGF8 (multiple EGF like domains 8; plus strand). Cytogenetic location: 19q13.2.
Variant type: single nucleotide variant.
Coding change: c.3305G>A on transcript NM_001271938.2 (MANE Select); coding-DNA position 3305, G replaced by A.
Protein change: p.Cys1102Tyr; replaces cysteine 1102 with tyrosine.
Molecular consequence: missense variant.
Genome position (GRCh38, 1-based): chr19:42,352,411, G>A. VCF-style: chr19-42352411-G-A. GRCh37 (hg19) VCF-style: chr19-42856563-G-A.
Other names: c.3104G>A, p.Cys1035Tyr (NM_001410.3); short protein forms C1035Y, C1102Y.
Identifiers: ClinVar variation 5002674 (VCV005002674.1).